The following is an entry in ClinVar:

NM_000260.4(MYO7A):c.1936-2A>T

Gene: MYO7A (myosin VIIA; plus strand). Cytogenetic location: 11q13.5.
Variant type: single nucleotide variant.
Coding change: c.1936-2A>T on transcript NM_000260.4 (MANE Select); the canonical splice acceptor site of the intron before coding-DNA position 1936, A replaced by T.
Molecular consequence: splice acceptor variant.
Genome position (GRCh38, 1-based): chr11:77,174,754, A>T. VCF-style: chr11-77174754-A-T. GRCh37 (hg19) VCF-style: chr11-76885800-A-T.
Other names: c.1903-2A>T (NM_001369365.1); c.1936-2A>T (NM_001127180.2).
Identifiers: ClinVar variation 1347806 (VCV001347806.6), dbSNP rs2135424366, ClinGen allele CA381939052.

ClinVar aggregate classification (germline): Likely pathogenic (1 of 4 stars; one submission).

Submission:

Labcorp Genetics (formerly Invitae), Labcorp
Classification: Likely pathogenic. Last evaluated: 2021-06-28. Review status: criteria provided, single submitter. Criteria: Invitae Variant Classification Sherloc (09022015). Collection method: clinical testing. Allele origin: germline.
Comment: This sequence change affects an acceptor splice site in intron 16 of the MYO7A gene. It is expected to disrupt RNA splicing. Variants that disrupt the donor or acceptor splice site typically lead to a loss of protein function (PMID: 16199547), and loss-of-function variants in MYO7A are known to be pathogenic (PMID: 8900236, 25404053). This variant is not present in population databases (ExAC no frequency). Disruption of this splice site has been observed in individual(s) with Usher syndrome (Invitae). Algorithms developed to predict the effect of sequence changes on RNA splicing suggest that this variant may disrupt the consensus splice site. In summary, the currently available evidence indicates that the variant is pathogenic, but additional data are needed to prove that conclusively. Therefore, this variant has been classified as Likely Pathogenic.

Literature cited by the submitters: PubMed 16199547; PubMed 8900236; PubMed 25404053.